The following is an entry in ClinVar:

ClinVar aggregate classification (germline): Pathogenic. Review status: criteria provided, multiple submitters, no conflicts (2 of 4 stars). 6 submissions from 6 submitters: Pathogenic (5). 1 of the submissions does not count toward it. Last evaluated 2025-04-22.

Conditions:
TSC1-related disorder. Also called: TSC1-related condition.
Tuberous sclerosis syndrome (TSC). Also called: Tuberous Sclerosis Complex; Tuberous sclerosis. Identifiers: Orphanet 805, MedGen C0041341, MONDO:0001734.
Tuberous sclerosis 1 (TSC1). Identifiers: Orphanet 805, MedGen C1854465, MONDO:0008612, OMIM 191100.

Submissions (6):

GeneDx
Classification: Pathogenic. Last evaluated: 2025-04-22. Review status: criteria provided, single submitter. Criteria: GeneDx Variant Classification Process June 2021. Collection method: clinical testing. Allele origin: germline. Affected: yes.
Comment: Canonical splice site variant predicted to result in a null allele in a gene for which loss of function is a known mechanism of disease; Not observed at significant frequency in large population cohorts (gnomAD); Also known as IVS20-1G>A; This variant is associated with the following publications: (PMID: 36232477, 23389244)

Labcorp Genetics (formerly Invitae), Labcorp
Classification: Pathogenic for Tuberous sclerosis 1. Last evaluated: 2025-01-27. Review status: criteria provided, single submitter. Criteria: Invitae Variant Classification Sherloc (09022015). Collection method: clinical testing. Allele origin: germline.
Comment: This sequence change affects an acceptor splice site in intron 20 of the TSC1 gene. It is expected to disrupt RNA splicing. Variants that disrupt the donor or acceptor splice site typically lead to a loss of protein function (PMID: 16199547), and loss-of-function variants in TSC1 are known to be pathogenic (PMID: 10227394, 17304050). This variant is not present in population databases (gnomAD no frequency). Disruption of this splice site has been observed in individual(s) with tuberous sclerosis complex (PMID: 23389244, 34403804). This variant is also known as IVS20-1G>A. ClinVar contains an entry for this variant (Variation ID: 64797). Algorithms developed to predict the effect of sequence changes on RNA splicing suggest that this variant may disrupt the consensus splice site. For these reasons, this variant has been classified as Pathogenic.

Blueprint Genetics
Classification: Pathogenic for TSC1-related disorders. Last evaluated: 2024-01-12. Review status: criteria provided, single submitter. Criteria: ACMG Guidelines, 2015. Collection method: clinical testing. Allele origin: germline. Affected: yes. Observed: 1 variant allele.

Division of Genomic Medicine, Department of Advanced Medicine, Medical Research Institute, Kanazawa Medical University
Classification: Pathogenic for Tuberous sclerosis 1. Last evaluated: 2020-07-10. Review status: criteria provided, single submitter. Criteria: ACMG Guidelines, 2015. Collection method: clinical testing. Allele origin: germline. Affected: yes. Observed: 2 variant alleles.

Laboratory for Molecular Medicine, Mass General Brigham Personalized Medicine
Classification: Pathogenic for Tuberous sclerosis syndrome. Last evaluated: 2018-04-02. Review status: criteria provided, single submitter. Criteria: ACMG Guidelines, 2015. Collection method: clinical testing. Allele origin: germline. Inheritance: Autosomal dominant inheritance.
Comment: The c.2626-1G>A variant in TSC1 has been reported in 1 individual with tuberous sclerosis complex (Niida et al., 2013) and was absent from large population studies. This variant occurs in the invariant region (+/- 1,2) of the splice consensus sequence and is predicted to cause altered splicing leading to an abnormal or absent protein. Heterozygous loss-of-function of the TSC1 gene is an established disease mechanism in individuals with tuberous sclerosis. In summary, this variant is pathogenic for tuberous sclerosis in an autosomal dominant manner. ACMG/AMP Criteria applied: PVS1; PM2; PP4.

Tuberous sclerosis database (TSC1)
No classification provided. Condition: TSC. Review status: no classification provided. Criteria: Tuberous Sclerosis Database Assertion Criteria 2015. Collection method: curation. Allele origin: germline. Affected: yes. Not counted in ClinVar's aggregate classification.

Literature cited by the submitters: PubMed 16199547 (cited by Labcorp Genetics (formerly Invitae), Labcorp); PubMed 10227394 (cited by Labcorp Genetics (formerly Invitae), Labcorp); PubMed 17304050 (cited by Labcorp Genetics (formerly Invitae), Labcorp); PubMed 23389244 (cited by Labcorp Genetics (formerly Invitae), Labcorp and Laboratory for Molecular Medicine, Mass General Brigham Personalized Medicine); PubMed 34403804 (cited by Labcorp Genetics (formerly Invitae), Labcorp).

NM_000368.5(TSC1):c.2626-1G>A

Gene: TSC1 (TSC complex subunit 1; minus strand). Cytogenetic location: 9q34.13.
Variant type: single nucleotide variant.
Coding change: c.2626-1G>A on transcript NM_000368.5 (MANE Select); the canonical splice acceptor site of the intron before coding-DNA position 2626, G replaced by A.
Molecular consequence: splice acceptor variant.
Genome position (GRCh38, 1-based): chr9:132,897,611, C>T on the plus strand (G>A on the coding strand, the complement: TSC1 is on the minus strand). VCF-style: chr9-132897611-C-T. GRCh37 (hg19) VCF-style: chr9-135772998-C-T.
Other names: c.2470-1G>A (NM_001406611.1, NM_001406612.1); c.2473-1G>A (NM_001162427.2, NM_001406610.1); c.1672-1G>A (NM_001406628.1, NM_001406627.1); c.1675-1G>A (NM_001406626.1); c.2608-1G>A (NM_001406604.1, NM_001406603.1); c.2581-1G>A (NM_001406608.1, NM_001406609.1); c.2623-1G>A (NM_001162426.2, NM_001406599.1, NM_001406597.1 and 2 more transcripts); c.2611-1G>A (NM_001406601.1, NM_001406602.1); and 8 more.
Identifiers: ClinVar variation 64797 (VCV000064797.11), dbSNP rs397514847, ClinGen allele CA006719.
Genomic context (GRCh38, chr9:132,897,611, plus strand): 5'-AACATGGCTTCTGTTTTTTTCTAGCTCTTTCCGATAGGCGGCTTTCATCATTTCTACTTC[C>T]TGAAAAAAAAAAAAAAAAAAGACTGGAATTAGTACTTATAAAAAATAAACATGCTGTATC-3'